The following is an entry in ClinVar:

NM_004369.4(COL6A3):c.3091G>C (p.Val1031Leu)

Gene: COL6A3 (collagen type VI alpha 3 chain; minus strand). Cytogenetic location: 2q37.3.
Variant type: single nucleotide variant.
Coding change: c.3091G>C on transcript NM_004369.4 (MANE Select); coding-DNA position 3091, G replaced by C.
Protein change: p.Val1031Leu; replaces valine 1031 with leucine.
Molecular consequence: missense variant.
Genome position (GRCh38, 1-based): chr2:237,375,000, C>G on the plus strand (G>C on the coding strand, the complement: COL6A3 is on the minus strand). VCF-style: chr2-237375000-C-G. GRCh37 (hg19) VCF-style: chr2-238283643-C-G.
Other names: c.1870G>C, p.Val624Leu (NM_057164.5); c.2473G>C, p.Val825Leu (NM_057165.5, NM_057167.4); c.1270G>C, p.Val424Leu (NM_057166.5); short protein forms V424L, V624L, V1031L, V825L.
Identifiers: ClinVar variation 1898605 (VCV001898605.5), dbSNP rs1372686886, ClinGen allele CA351205950.

ClinVar aggregate classification (germline): Uncertain significance (1 of 4 stars; one submission).

Conditions:
Bethlem myopathy 1A. Also called: Bethlem myopathy 1; MYOPATHY, BENIGN CONGENITAL, WITH CONTRACTURES; Bethlem Muscular Dystrophy. Identifiers: Orphanet 610, MedGen CN029274, MONDO:0024530, OMIM 158810.

Allele frequency attached by ClinVar (database versions not stated): gnomAD exomes below 0.00001; gnomAD 0.00001; TOPMed 0.00001.
gnomAD v4.1: 6 of 1,613,744 alleles (0.00037%); highest among the groups gnomAD compares: Non-Finnish European, 0.00042%; no homozygotes.

Submission:

Labcorp Genetics (formerly Invitae), Labcorp
Classification: Uncertain significance for Bethlem myopathy 1A. Last evaluated: 2022-11-09. Review status: criteria provided, single submitter. Criteria: Invitae Variant Classification Sherloc (09022015). Collection method: clinical testing. Allele origin: germline.
Comment: This sequence change replaces valine, which is neutral and non-polar, with leucine, which is neutral and non-polar, at codon 1031 of the COL6A3 protein (p.Val1031Leu). This variant is not present in population databases (gnomAD no frequency). This variant has not been reported in the literature in individuals affected with COL6A3-related conditions. Advanced modeling of protein sequence and biophysical properties (such as structural, functional, and spatial information, amino acid conservation, physicochemical variation, residue mobility, and thermodynamic stability) performed at Invitae indicates that this missense variant is expected to disrupt COL6A3 protein function. In summary, the available evidence is currently insufficient to determine the role of this variant in disease. Therefore, it has been classified as a Variant of Uncertain Significance.